The following is an entry in ClinVar:

NM_001382430.1(AKT1):c.699C>T (p.Gly233=)

Gene: AKT1 (AKT serine/threonine kinase 1; minus strand). Cytogenetic location: 14q32.33.
Variant type: single nucleotide variant.
Coding change: c.699C>T on transcript NM_001382430.1 (MANE Select); coding-DNA position 699, C replaced by T.
Protein change: p.Gly233=; no amino-acid change (glycine 233 retained).
Molecular consequence: synonymous variant.
Genome position (GRCh38, 1-based): chr14:104,773,915, G>A on the plus strand (C>T on the coding strand, the complement: AKT1 is on the minus strand). VCF-style: chr14-104773915-G-A. GRCh37 (hg19) VCF-style: chr14-105240252-G-A.
Other names: c.699C>T, p.Gly233= (NM_001014431.2, NM_001014432.2, NM_001382431.1 and 3 more transcripts).
Identifiers: ClinVar variation 2697409 (VCV002697409.3), dbSNP rs371786809, ClinGen allele CA7374692.

ClinVar aggregate classification (germline): Uncertain significance (1 of 4 stars; one submission).

Conditions:
Cowden syndrome 6 (CWS6). Identifiers: Orphanet 201, MedGen C3554519, MONDO:0014048, OMIM 615109.

Allele frequency attached by ClinVar (database versions not stated): TOPMed 0.00001; ExAC 0.00008; ESP Exome Variant Server 0.00008.
gnomAD v4.1: 14 of 1,608,576 alleles (0.00087%); highest among the groups gnomAD compares: East Asian, 0.0022%; no homozygotes.

Submission:

Labcorp Genetics (formerly Invitae), Labcorp
Classification: Uncertain significance for Cowden syndrome 6. Last evaluated: 2023-09-11. Review status: criteria provided, single submitter. Criteria: Invitae Variant Classification Sherloc (09022015). Collection method: clinical testing. Allele origin: germline.
Comment: Algorithms developed to predict the effect of sequence changes on RNA splicing suggest that this variant may create or strengthen a splice site. In summary, the available evidence is currently insufficient to determine the role of this variant in disease. Therefore, it has been classified as a Variant of Uncertain Significance. This variant has not been reported in the literature in individuals affected with AKT1-related conditions. This variant is present in population databases (rs371786809, gnomAD 0.01%). This sequence change affects codon 233 of the AKT1 mRNA. It is a 'silent' change, meaning that it does not change the encoded amino acid sequence of the AKT1 protein.